The following is an entry in ClinVar:

ClinVar aggregate classification (germline): Pathogenic (1 of 4 stars; one submission).

Conditions:
Inborn genetic diseases. Identifiers: MedGen C0950123, MeSH D030342.

Submission:

Ambry Genetics
Classification: Pathogenic for Inborn genetic diseases. Last evaluated: 2025-03-14. Review status: criteria provided, single submitter. Criteria: Ambry Variant Classification Scheme 2023. Collection method: clinical testing. Allele origin: germline.
Comment: The c.1242_1245dupGTAC (p.K416Vfs*8) alteration, located in exon 9 (coding exon 9) of the DYRK1A gene, consists of a duplication of GTAC at position 1242, causing a translational frameshift with a predicted alternate stop codon after 8 amino acids. This alteration is expected to result in loss of function by premature protein truncation or nonsense-mediated mRNA decay. This variant was not reported in population-based cohorts in the Genome Aggregation Database (gnomAD). Based on the available evidence, this alteration is classified as pathogenic.

NM_001347721.2(DYRK1A):c.1215_1218dup (p.Lys407fs)

Gene: DYRK1A (dual specificity tyrosine phosphorylation regulated kinase 1A; plus strand). Cytogenetic location: 21q22.13.
Variant type: Duplication.
Coding change: c.1215_1218dup on transcript NM_001347721.2 (MANE Select); coding-DNA positions 1215 to 1218, 4 bases duplicated (GTAC; older notation c.1215_1218dupGTAC).
Protein change: p.Lys407fs; shifts the reading frame from lysine 407.
Molecular consequence: frameshift variant.
Genome position (GRCh38, 1-based): chr21:37,505,285-37,505,288, GTAC duplicated. VCF-style (leftmost placement, unchanged base first): chr21-37505284-A-AGTAC. GRCh37 (hg19) VCF-style: chr21-38877587-A-AGTAC.
Other names: c.1215_1218dup, p.Lys407fs (NM_001347722.2, NM_130436.2); c.1128_1131dup, p.Lys378fs (NM_001347723.2); c.1242_1245dup, p.Lys416fs (NM_001396.5, NM_101395.2, NM_130438.2); short protein forms K378fs, K407fs, K416fs.
Identifiers: ClinVar variation 3843086 (VCV003843086.1).